The following is an entry in ClinVar:

ClinVar aggregate classification (germline): Uncertain significance. Review status: criteria provided, multiple submitters, no conflicts (2 of 4 stars). 2 submissions from 2 submitters: Uncertain significance (2). Last evaluated 2024-05-19.

Conditions:
Hereditary pancreatitis (PCTT). Also called: Hereditary chronic pancreatitis; PRSS1-Related Hereditary Pancreatitis. Identifiers: Orphanet 676, MedGen C0238339, MONDO:0008185, OMIM 167800.

Allele frequency attached by ClinVar (database versions not stated): gnomAD exomes 0.00001.
gnomAD v4.1: 8 of 1,614,252 alleles (0.0005%); highest among the groups gnomAD compares: Non-Finnish European, 0.00068%; no homozygotes.

Submissions (2):

Labcorp Genetics (formerly Invitae), Labcorp
Classification: Uncertain significance. Last evaluated: 2024-05-19. Review status: criteria provided, single submitter. Criteria: Invitae Variant Classification Sherloc (09022015). Collection method: clinical testing. Allele origin: germline.
Comment: This sequence change replaces isoleucine, which is neutral and non-polar, with threonine, which is neutral and polar, at codon 249 of the CPA1 protein (p.Ile249Thr). This variant is not present in population databases (gnomAD no frequency). This variant has not been reported in the literature in individuals affected with CPA1-related conditions. ClinVar contains an entry for this variant (Variation ID: 1759056). Advanced modeling of protein sequence and biophysical properties (such as structural, functional, and spatial information, amino acid conservation, physicochemical variation, residue mobility, and thermodynamic stability) performed at Invitae indicates that this missense variant is not expected to disrupt CPA1 protein function with a negative predictive value of 80%. In summary, the available evidence is currently insufficient to determine the role of this variant in disease. Therefore, it has been classified as a Variant of Uncertain Significance.

Ambry Genetics
Classification: Uncertain significance for Hereditary pancreatitis. Last evaluated: 2023-10-25. Review status: criteria provided, single submitter. Criteria: Ambry Variant Classification Scheme 2023. Collection method: clinical testing. Allele origin: germline.
Comment: The p.I249T variant (also known as c.746T>C), located in coding exon 7 of the CPA1 gene, results from a T to C substitution at nucleotide position 746. The isoleucine at codon 249 is replaced by threonine, an amino acid with similar properties. This amino acid position is conserved. In addition, this alteration is predicted to be tolerated by in silico analysis. Since supporting evidence is limited at this time, the clinical significance of this alteration remains unclear.

NM_001868.4(CPA1):c.746T>C (p.Ile249Thr)

Gene: CPA1 (carboxypeptidase A1; plus strand). Cytogenetic location: 7q32.2.
Variant type: single nucleotide variant.
Coding change: c.746T>C on transcript NM_001868.4 (MANE Select); coding-DNA position 746, T replaced by C.
Protein change: p.Ile249Thr; replaces isoleucine 249 with threonine.
Molecular consequence: missense variant.
Genome position (GRCh38, 1-based): chr7:130,384,585, T>C. VCF-style: chr7-130384585-T-C. GRCh37 (hg19) VCF-style: chr7-130024426-T-C.
Other names: short protein forms I249T.
Identifiers: ClinVar variation 1759056 (VCV001759056.5), dbSNP rs2536010957, ClinGen allele CA369282983.